The following is an entry in ClinVar:

ClinVar aggregate classification (germline): Uncertain significance (1 of 4 stars; one submission).

Conditions:
Angelman syndrome (AS). Also called: HAPPY PUPPET SYNDROME. Identifiers: Orphanet 72, MedGen C0162635, MONDO:0007113, OMIM 105830. Disease mechanism: loss of function. Inheritance: AS is caused by disruption of maternally imprinted UBE3A located within the 15q11.2-q13 Angelman syndrome/Prader-Willi syndrome (AS/PWS) region., imprinting disorder.

Submission:

Labcorp Genetics (formerly Invitae), Labcorp
Classification: Uncertain significance for Angelman syndrome. Last evaluated: 2025-09-18. Review status: criteria provided, single submitter. Criteria: Invitae Variant Classification Sherloc (09022015). Collection method: clinical testing. Allele origin: germline.
Comment: This sequence change replaces serine, which is neutral and polar, with phenylalanine, which is neutral and non-polar, at codon 695 of the UBE3A protein (p.Ser695Phe). This variant is not present in population databases (gnomAD no frequency). This variant has not been reported in the literature in individuals affected with UBE3A-related conditions. ClinVar contains an entry for this variant (Variation ID: 3716782). Invitae Evidence Modeling of protein sequence and biophysical properties (such as structural, functional, and spatial information, amino acid conservation, physicochemical variation, residue mobility, and thermodynamic stability) indicates that this missense variant is not expected to disrupt UBE3A protein function with a negative predictive value of 80%. In summary, the available evidence is currently insufficient to determine the role of this variant in disease. Therefore, it has been classified as a Variant of Uncertain Significance.

NM_130839.5(UBE3A):c.2144C>T (p.Ser715Phe)

Genes: SNHG14 (small nucleolar RNA host gene 14; plus strand), UBE3A (ubiquitin protein ligase E3A; minus strand). Cytogenetic location: 15q11.2.
Variant type: single nucleotide variant.
Coding change: c.2144C>T on transcript NM_130839.5 (MANE Select); coding-DNA position 2144, C replaced by T.
Protein change: p.Ser715Phe; replaces serine 715 with phenylalanine.
Molecular consequence: missense variant. On other transcripts: non-coding transcript variant (1), intron variant (3).
Genome position (GRCh38, 1-based): chr15:25,354,664, G>A on the plus strand (C>T on the coding strand, the complement: UBE3A is on the minus strand). VCF-style: chr15-25354664-G-A. GRCh37 (hg19) VCF-style: chr15-25599811-G-A.
Other names: c.2153C>T, p.Ser718Phe (NM_000462.5); c.2144C>T, p.Ser715Phe (NM_001354505.1, NM_001354538.2); c.2084C>T, p.Ser695Phe (NM_001354506.2, NM_001354507.2, NM_001354540.2 and 14 more transcripts); c.1967C>T, p.Ser656Phe (NM_001354546.2); c.1919C>T, p.Ser640Phe (NM_001354549.2); c.893C>T, p.Ser298Phe (NM_001354550.2); c.833C>T, p.Ser278Phe (NM_001354551.2); c.2065-238C>T (NM_001354548.2, NM_001354547.2); and 1 more; short protein forms S640F, S656F, S278F, S298F, S695F, S715F, S718F.
Identifiers: ClinVar variation 3716782 (VCV003716782.2).